The following is an entry in ClinVar:

NM_001252024.2(TRPM1):c.1645_1647del (p.His549del)

Gene: TRPM1 (transient receptor potential cation channel subfamily M member 1; minus strand). Cytogenetic location: 15q13.3.
Variant type: Deletion.
Coding change: c.1645_1647del on transcript NM_001252024.2 (MANE Select); coding-DNA positions 1645 to 1647, 3 bases deleted (CAC; older notation c.1645_1647delCAC).
Protein change: p.His549del; deletes histidine 549.
Molecular consequence: inframe deletion.
Genome position (GRCh38, 1-based): chr15:31,047,228-31,047,230, GTG deleted on the plus strand (CAC on the coding strand, the reverse complement: TRPM1 is on the minus strand); deleting any 3 consecutive bases within chr15:31,047,228-31,047,232 gives the same sequence; the c. name uses the placement nearest the transcript's 3' end. VCF-style (leftmost placement, unchanged base first): chr15-31047227-TGTG-T. GRCh37 (hg19) VCF-style: chr15-31339430-TGTG-T.
Other names: c.1696_1698del, p.His566del (NM_001252020.2); c.1579_1581del, p.His527del (NM_002420.6); short protein forms H549del, H566del, H527del.
Identifiers: ClinVar variation 2001508 (VCV002001508.4), dbSNP rs2033798324, ClinGen allele CA2167766398.
Genomic context (GRCh38, chr15:31,047,227, plus strand): 5'-TGCAGCGGTAGGCTCCTCCCATGAGGTACTCCAGCACGAGCCCGATGTCTATGAGGCTGA[TGTG>T]GTAATCAGGCGGAAGGTTGCTCTGTAAAAGAAGTCTGGTCTCAGGCCCTGTGAGAATGCG-3'

ClinVar aggregate classification (germline): Uncertain significance (1 of 4 stars; one submission).

Submission:

Labcorp Genetics (formerly Invitae), Labcorp
Classification: Uncertain significance. Last evaluated: 2022-05-31. Review status: criteria provided, single submitter. Criteria: Invitae Variant Classification Sherloc (09022015). Collection method: clinical testing. Allele origin: germline.
Comment: This variant is not present in population databases (gnomAD no frequency). In summary, the available evidence is currently insufficient to determine the role of this variant in disease. Therefore, it has been classified as a Variant of Uncertain Significance. Experimental studies and prediction algorithms are not available or were not evaluated, and the functional significance of this variant is currently unknown. This variant has not been reported in the literature in individuals affected with TRPM1-related conditions. This variant, c.1579_1581del, results in the deletion of 1 amino acid(s) of the TRPM1 protein (p.His527del), but otherwise preserves the integrity of the reading frame.